The following is an entry in ClinVar:

NM_024408.4(NOTCH2):c.1176del (p.Asn393fs)

Gene: NOTCH2 (notch receptor 2; minus strand). Cytogenetic location: 1p12.
Variant type: Deletion.
Coding change: c.1176del on transcript NM_024408.4 (MANE Select); coding-DNA position 1176, one base deleted (C; older notation c.1176delC).
Protein change: p.Asn393fs; shifts the reading frame from asparagine 393.
Molecular consequence: frameshift variant.
Genome position (GRCh38, 1-based): chr1:119,968,165, G deleted on the plus strand (C on the coding strand, the reverse complement: NOTCH2 is on the minus strand); the first of 2 consecutive G bases (chr1:119,968,165-119,968,166); deleting either gives the same sequence. VCF-style (leftmost placement, unchanged base first): chr1-119968164-TG-T. GRCh37 (hg19) VCF-style: chr1-120510787-TG-T.
Other names: c.1176del, p.Asn393fs (NM_001200001.2); short protein forms N393fs.
Identifiers: ClinVar variation 4531884 (VCV004531884.1).

ClinVar aggregate classification (germline): Pathogenic (1 of 4 stars; one submission).

Conditions:
Alagille syndrome due to a NOTCH2 point mutation. Also called: Alagille syndrome 2. Identifiers: Orphanet 261629, Orphanet 52, MedGen C1857761, MONDO:0012439, OMIM 610205.

Submission:

Victorian Clinical Genetics Services, Murdoch Childrens Research Institute
Classification: Pathogenic for Alagille syndrome due to a NOTCH2 point mutation. Last evaluated: 2024-10-23. Review status: criteria provided, single submitter. Criteria: ACMG Guidelines, 2015. Collection method: clinical testing. Allele origin: germline. Affected: yes.
Comment: This variant is classified as Pathogenic. Evidence in support of pathogenic classification: Variant is predicted to cause nonsense-mediated decay (NMD) and loss of protein (premature termination codon is located at least 54 nucleotides upstream of the final exon-exon junction); Variant is absent from gnomAD (v2, v3 and v4); Other NMD-predicted variants comparable to the one identified in this case have very strong previous evidence for pathogenicity. Many comparable NMD-predicted variants have been classified as pathogenic or likely pathogenic by clinical laboratories (ClinVar). Additional information: This variant is heterozygous; This gene is associated with autosomal dominant disease; This variant has no previous evidence of pathogenicity; No published segregation evidence has been identified for this variant; No published functional evidence has been identified for this variant; Loss of function and gain of function are known mechanisms of disease in this gene and are associated with Alagille syndrome 2 (MIM#610205), and Hajdu-Cheney syndrome (MIM#102500), respectively. Missense variants and those predicted to result in nonsense-mediated decay, have been associated with Alagille syndrome 2, whereas truncating variants in the last exon have been known to cause Hajdu-Cheney syndrome (OMIM, PMID: 28941602); Variants in this gene are known to have variable expressivity (PMID: 22209762).

Literature cited by the submitters: PubMed 22209762; PubMed 28941602.